The following is an entry in ClinVar:

ClinVar aggregate classification (germline): Uncertain significance (1 of 4 stars; one submission).

Conditions:
Epilepsy, familial adult myoclonic, 5 (EPEO5). Also called: CORTICAL MYOCLONIC TREMOR WITH EPILEPSY, FAMILIAL, 5. Identifiers: Orphanet 86814, MedGen C3809374, MONDO:0014167, OMIM 615400.

Allele frequency attached by ClinVar (database versions not stated): ExAC 0.00003; gnomAD exomes 0.00003; TOPMed 0.00003.
gnomAD v4.1: 22 of 1,614,116 alleles (0.0014%); highest among the groups gnomAD compares: Admixed American, 0.013%; no homozygotes.

Submission:

Labcorp Genetics (formerly Invitae), Labcorp
Classification: Uncertain significance for Epilepsy, familial adult myoclonic, 5. Last evaluated: 2025-04-21. Review status: criteria provided, single submitter. Criteria: Invitae Variant Classification Sherloc (09022015). Collection method: clinical testing. Allele origin: germline.
Comment: This sequence change replaces arginine, which is basic and polar, with histidine, which is basic and polar, at codon 167 of the CNTN2 protein (p.Arg167His). This variant is present in population databases (rs773067015, gnomAD 0.02%). This variant has not been reported in the literature in individuals affected with CNTN2-related conditions. ClinVar contains an entry for this variant (Variation ID: 1436994). Invitae Evidence Modeling of protein sequence and biophysical properties (such as structural, functional, and spatial information, amino acid conservation, physicochemical variation, residue mobility, and thermodynamic stability) indicates that this missense variant is not expected to disrupt CNTN2 protein function with a negative predictive value of 95%. In summary, the available evidence is currently insufficient to determine the role of this variant in disease. Therefore, it has been classified as a Variant of Uncertain Significance.

NM_005076.5(CNTN2):c.500G>A (p.Arg167His)

Gene: CNTN2 (contactin 2; plus strand). Cytogenetic location: 1q32.1.
Variant type: single nucleotide variant.
Coding change: c.500G>A on transcript NM_005076.5 (MANE Select); coding-DNA position 500, G replaced by A.
Protein change: p.Arg167His; replaces arginine 167 with histidine.
Molecular consequence: missense variant. On other transcripts: non-coding transcript variant (1).
Genome position (GRCh38, 1-based): chr1:205,059,096, G>A. VCF-style: chr1-205059096-G-A. GRCh37 (hg19) VCF-style: chr1-205028224-G-A.
Other names: c.500G>A, p.Arg167His (NM_001346083.2); short protein forms R167H.
Identifiers: ClinVar variation 1436994 (VCV001436994.5), dbSNP rs773067015, ClinGen allele CA1351066.
Genomic context (GRCh38, chr1:205,059,096, plus strand): 5'-CCTGTTAGCCCAGCACCCCCTGGTTTCCTCAAACTCCTCACATCCTAGGCTTGTCCTACC[G>A]CTGGCTCCTCAACGAGTTCCCCAACTTCATCCCGACGGACGGGCGTCACTTCGTGTCCCA-3'
Protein context (NP_005067.1, residues 157-177): PPAHYPGLSY[Arg167His]WLLNEFPNFI